The following is an entry in ClinVar:

NM_004928.3(CFAP410):c.50T>C (p.Leu17Pro)

Genes: CFAP410 (cilia and flagella associated protein 410; minus strand), LOC130066823 (ATAC-STARR-seq lymphoblastoid silent region 13383; plus strand). Cytogenetic location: 21q22.3.
Variant type: single nucleotide variant.
Coding change: c.50T>C on transcript NM_004928.3 (MANE Select); coding-DNA position 50, T replaced by C.
Protein change: p.Leu17Pro; replaces leucine 17 with proline.
Molecular consequence: missense variant.
Genome position (GRCh38, 1-based): chr21:44,339,145, A>G on the plus strand (T>C on the coding strand, the complement: CFAP410 is on the minus strand). VCF-style: chr21-44339145-A-G. GRCh37 (hg19) VCF-style: chr21-45759028-A-G.
Other names: c.50T>C, p.Leu17Pro (NM_001271440.2, NM_001271441.2); short protein forms L17P.
Identifiers: ClinVar variation 1953653 (VCV001953653.5), dbSNP rs1206540011, ClinGen allele CA410461161.

ClinVar aggregate classification (germline): Uncertain significance (1 of 4 stars; one submission).

Submission:

Labcorp Genetics (formerly Invitae), Labcorp
Classification: Uncertain significance. Last evaluated: 2022-04-09. Review status: criteria provided, single submitter. Criteria: Invitae Variant Classification Sherloc (09022015). Collection method: clinical testing. Allele origin: germline.
Comment: Algorithms developed to predict the effect of missense changes on protein structure and function are either unavailable or do not agree on the potential impact of this missense change (SIFT: "Deleterious"; PolyPhen-2: "Probably Damaging"; Align-GVGD: "Class C0"). This sequence change replaces leucine, which is neutral and non-polar, with proline, which is neutral and non-polar, at codon 17 of the CFAP410 protein (p.Leu17Pro). This variant is not present in population databases (gnomAD no frequency). This variant has not been reported in the literature in individuals affected with CFAP410-related conditions. In summary, the available evidence is currently insufficient to determine the role of this variant in disease. Therefore, it has been classified as a Variant of Uncertain Significance.